The following is an entry in ClinVar:

ClinVar aggregate classification (germline): Uncertain significance (1 of 4 stars; one submission).

gnomAD v4.1: 3 of 1,613,848 alleles (0.00019%); highest among the groups gnomAD compares: East Asian, 0.0022%; no homozygotes.

Submission:

Ambry Genetics
Classification: Uncertain significance. Last evaluated: 2022-02-01. Review status: criteria provided, single submitter. Criteria: Ambry Variant Classification Scheme 2023. Collection method: clinical testing. Allele origin: germline.
Comment: The p.M99T variant (also known as c.296T>C), located in coding exon 5 of the NPAT gene, results from a T to C substitution at nucleotide position 296. The methionine at codon 99 is replaced by threonine, an amino acid with similar properties. This amino acid position is conserved. In addition, the in silico prediction for this alteration is inconclusive. Since supporting evidence is limited at this time, the clinical significance of this alteration remains unclear.

NM_002519.3(NPAT):c.296T>C (p.Met99Thr)

Gene: NPAT (nuclear protein, coactivator of histone transcription; minus strand). Cytogenetic location: 11q22.3.
Variant type: single nucleotide variant.
Coding change: c.296T>C on transcript NM_002519.3 (MANE Select); coding-DNA position 296, T replaced by C.
Protein change: p.Met99Thr; replaces methionine 99 with threonine.
Molecular consequence: missense variant.
Genome position (GRCh38, 1-based): chr11:108,190,495, A>G on the plus strand (T>C on the coding strand, the complement: NPAT is on the minus strand). VCF-style: chr11-108190495-A-G. GRCh37 (hg19) VCF-style: chr11-108061222-A-G.
Other names: c.296T>C, p.Met99Thr (NM_001321307.1); short protein forms M99T.
Identifiers: ClinVar variation 1798278 (VCV001798278.2), dbSNP rs772949877, ClinGen allele CA382526361.